The following is an entry in ClinVar:

NM_001393982.1(ANKRD36C):c.1290T>A (p.Val430=)

Gene: ANKRD36C (ankyrin repeat domain 36C; minus strand). Cytogenetic location: 2q11.1.
Variant type: single nucleotide variant.
Coding change: c.1290T>A on transcript NM_001393982.1 (MANE Select); coding-DNA position 1290, T replaced by A.
Protein change: p.Val430=; no amino-acid change (valine 430 retained).
Molecular consequence: synonymous variant.
Genome position (GRCh38, 1-based): chr2:95,950,754, A>T on the plus strand (T>A on the coding strand, the complement: ANKRD36C is on the minus strand). VCF-style: chr2-95950754-A-T. GRCh37 (hg19) VCF-style: chr2-96616502-A-T.
Other names: c.1290T>A, p.Val430= (NM_001310154.3).
Identifiers: ClinVar variation 3389383 (VCV003389383.14).

ClinVar aggregate classification (germline): Likely benign (1 of 4 stars; one submission).

Submission:

CeGaT Center for Human Genetics Tuebingen
Classification: Likely benign. Last evaluated: 2024-10-01. Review status: criteria provided, single submitter. Criteria: CeGaT Center For Human Genetics Tuebingen Variant Classification Criteria Version 2. Collection method: clinical testing. Allele origin: germline. Affected: yes. Observed: 1 variant allele.
Comment: ANKRD36C: PM2:Supporting, BP4, BP7